The following is an entry in ClinVar:

NM_000435.3(NOTCH3):c.2962T>C (p.Cys988Arg)

Gene: NOTCH3 (notch receptor 3; minus strand). Cytogenetic location: 19p13.12.
Variant type: single nucleotide variant.
Coding change: c.2962T>C on transcript NM_000435.3 (MANE Select); coding-DNA position 2962, T replaced by C.
Protein change: p.Cys988Arg; replaces cysteine 988 with arginine.
Molecular consequence: missense variant.
Genome position (GRCh38, 1-based): chr19:15,180,993, A>G on the plus strand (T>C on the coding strand, the complement: NOTCH3 is on the minus strand). VCF-style: chr19-15180993-A-G. GRCh37 (hg19) VCF-style: chr19-15291804-A-G.
Other names: short protein forms C988R.
Identifiers: ClinVar variation 1461819 (VCV001461819.8), dbSNP rs2145422681, ClinGen allele CA404514564.

ClinVar aggregate classification (germline): Uncertain significance (1 of 4 stars; one submission).

Submission:

Labcorp Genetics (formerly Invitae), Labcorp
Classification: Uncertain significance. Last evaluated: 2022-06-19. Review status: criteria provided, single submitter. Criteria: Invitae Variant Classification Sherloc (09022015). Collection method: clinical testing. Allele origin: germline.
Comment: In summary, the available evidence is currently insufficient to determine the role of this variant in disease. Therefore, it has been classified as a Variant of Uncertain Significance. Advanced modeling of protein sequence and biophysical properties (such as structural, functional, and spatial information, amino acid conservation, physicochemical variation, residue mobility, and thermodynamic stability) performed at Invitae indicates that this missense variant is expected to disrupt NOTCH3 protein function. This variant has not been reported in the literature in individuals affected with NOTCH3-related conditions. This variant is not present in population databases (gnomAD no frequency). This sequence change replaces cysteine, which is neutral and slightly polar, with arginine, which is basic and polar, at codon 988 of the NOTCH3 protein (p.Cys988Arg).